The following is an entry in ClinVar:

NM_001868.4(CPA1):c.1238A>G (p.His413Arg)

Gene: CPA1 (carboxypeptidase A1; plus strand). Cytogenetic location: 7q32.2.
Variant type: single nucleotide variant.
Coding change: c.1238A>G on transcript NM_001868.4 (MANE Select); coding-DNA position 1238, A replaced by G.
Protein change: p.His413Arg; replaces histidine 413 with arginine.
Molecular consequence: missense variant.
Genome position (GRCh38, 1-based): chr7:130,387,989, A>G. VCF-style: chr7-130387989-A-G. GRCh37 (hg19) VCF-style: chr7-130027830-A-G.
Other names: short protein forms H413R.
Identifiers: ClinVar variation 1757300 (VCV001757300.2), dbSNP rs2536015608, ClinGen allele CA369284624.

ClinVar aggregate classification (germline): Uncertain significance (1 of 4 stars; one submission).

Conditions:
Hereditary pancreatitis (PCTT). Also called: Hereditary chronic pancreatitis; PRSS1-Related Hereditary Pancreatitis. Identifiers: Orphanet 676, MedGen C0238339, MONDO:0008185, OMIM 167800.

Submission:

Ambry Genetics
Classification: Uncertain significance for Hereditary pancreatitis. Last evaluated: 2021-12-29. Review status: criteria provided, single submitter. Criteria: Ambry Variant Classification Scheme 2023. Collection method: clinical testing. Allele origin: germline.
Comment: The p.H413R variant (also known as c.1238A>G), located in coding exon 10 of the CPA1 gene, results from an A to G substitution at nucleotide position 1238. The histidine at codon 413 is replaced by arginine, an amino acid with highly similar properties. This amino acid position is conserved. In addition, this alteration is predicted to be tolerated by in silico analysis. Since supporting evidence is limited at this time, the clinical significance of this alteration remains unclear.